The following is an entry in ClinVar:

ClinVar aggregate classification (germline): Uncertain significance (1 of 4 stars; one submission).

Submission:

Labcorp Genetics (formerly Invitae), Labcorp
Classification: Uncertain significance. Last evaluated: 2025-10-21. Review status: criteria provided, single submitter. Criteria: Invitae Variant Classification Sherloc (09022015). Collection method: clinical testing. Allele origin: germline.
Comment: This sequence change is expected to alter the c-terminus of the TSPEAR protein (p.Ser661Leufs*33). While this is not anticipated to result in nonsense mediated decay, it is expected to disrupt the last 9 amino acid(s) of the TSPEAR protein and extend the protein by 23 additional amino acid residues. This variant is not present in population databases (gnomAD no frequency). This frameshift has been observed in individual(s) with clinical features of TSPEAR-related conditions (internal data). In at least one individual the data is consistent with being in trans (on the opposite chromosome) from a pathogenic variant. Experimental studies and prediction algorithms are not available or were not evaluated, and the functional significance of this variant is currently unknown. In summary, the available evidence is currently insufficient to determine the role of this variant in disease. Therefore, it has been classified as a Variant of Uncertain Significance.

NM_144991.3(TSPEAR):c.1980dup (p.Ser661fs)

Gene: TSPEAR (thrombospondin type laminin G domain and EAR repeats; minus strand). Cytogenetic location: 21q22.3.
Variant type: Duplication.
Coding change: c.1980dup on transcript NM_144991.3 (MANE Select); coding-DNA position 1980, one base duplicated (C; older notation c.1980dupC).
Protein change: p.Ser661fs; shifts the reading frame from serine 661.
Molecular consequence: frameshift variant.
Genome position (GRCh38, 1-based): chr21:44,499,813, G duplicated on the plus strand (C on the coding strand, the reverse complement: TSPEAR is on the minus strand). VCF-style (leftmost placement, unchanged base first): chr21-44499812-A-AG. GRCh37 (hg19) VCF-style: chr21-45919695-A-AG.
Other names: c.1776dup, p.Ser593fs (NM_001272037.2); short protein forms S593fs, S661fs.
Identifiers: ClinVar variation 4768083 (VCV004768083.1).